The following is an entry in ClinVar:

ClinVar aggregate classification (germline): Uncertain significance (1 of 4 stars; one submission).

Allele frequency attached by ClinVar (database versions not stated): ExAC 0.00001; gnomAD 0.00004; TOPMed 0.00004.
gnomAD v4.1: 12 of 1,613,378 alleles (0.00074%); highest among the groups gnomAD compares: African/African-American, 0.012%; no homozygotes.

Submission:

GeneDx
Classification: Uncertain significance. Last evaluated: 2023-04-26. Review status: criteria provided, single submitter. Criteria: GeneDx Variant Classification Process June 2021. Collection method: clinical testing. Allele origin: germline. Affected: yes.
Comment: Not observed at significant frequency in large population cohorts (gnomAD); In silico analysis supports that this missense variant has a deleterious effect on protein structure/function; Has not been previously published as pathogenic or benign to our knowledge

NM_020632.3(ATP6V0A4):c.737T>A (p.Val246Asp)

Gene: ATP6V0A4 (ATPase H+ transporting V0 subunit a4; minus strand). Cytogenetic location: 7q34.
Variant type: single nucleotide variant.
Coding change: c.737T>A on transcript NM_020632.3 (MANE Select); coding-DNA position 737, T replaced by A.
Protein change: p.Val246Asp; replaces valine 246 with aspartic acid.
Molecular consequence: missense variant.
Genome position (GRCh38, 1-based): chr7:138,755,768, A>T on the plus strand (T>A on the coding strand, the complement: ATP6V0A4 is on the minus strand). VCF-style: chr7-138755768-A-T. GRCh37 (hg19) VCF-style: chr7-138440513-A-T.
Other names: c.737T>A, p.Val246Asp (NM_130840.3, NM_130841.3); short protein forms V246D.
Identifiers: ClinVar variation 2661940 (VCV002661940.1), dbSNP rs757920987, ClinGen allele CA4505010.